The following is an entry in ClinVar:

ClinVar aggregate classification (germline): Uncertain significance (1 of 4 stars; one submission).

Allele frequency attached by ClinVar (database versions not stated): gnomAD exomes below 0.00001; ExAC 0.00001; TOPMed 0.00001; gnomAD 0.00004 and 0.00006.
gnomAD v4.1: 14 of 1,613,554 alleles (0.00087%); highest among the groups gnomAD compares: African/African-American, 0.017%; 1 homozygote.

Submission:

Labcorp Genetics (formerly Invitae), Labcorp
Classification: Uncertain significance. Last evaluated: 2025-03-19. Review status: criteria provided, single submitter. Criteria: Invitae Variant Classification Sherloc (09022015). Collection method: clinical testing. Allele origin: germline.
Comment: This sequence change replaces aspartic acid, which is acidic and polar, with histidine, which is basic and polar, at codon 2528 of the PCLO protein (p.Asp2528His). This variant is present in population databases (rs568755399, gnomAD 0.008%). This variant has not been reported in the literature in individuals affected with PCLO-related conditions. ClinVar contains an entry for this variant (Variation ID: 1440570). Experimental studies and prediction algorithms are not available or were not evaluated, and the functional significance of this variant is currently unknown. In summary, the available evidence is currently insufficient to determine the role of this variant in disease. Therefore, it has been classified as a Variant of Uncertain Significance.

NM_033026.6(PCLO):c.7582G>C (p.Asp2528His)

Gene: PCLO (piccolo presynaptic cytomatrix protein; minus strand). Cytogenetic location: 7q21.11.
Variant type: single nucleotide variant.
Coding change: c.7582G>C on transcript NM_033026.6 (MANE Select); coding-DNA position 7582, G replaced by C.
Protein change: p.Asp2528His; replaces aspartic acid 2528 with histidine.
Molecular consequence: missense variant.
Genome position (GRCh38, 1-based): chr7:82,953,371, C>G on the plus strand (G>C on the coding strand, the complement: PCLO is on the minus strand). VCF-style: chr7-82953371-C-G. GRCh37 (hg19) VCF-style: chr7-82582687-C-G.
Other names: c.7582G>C, p.Asp2528His (NM_014510.3); short protein forms D2528H.
Identifiers: ClinVar variation 1440570 (VCV001440570.4), dbSNP rs568755399, ClinGen allele CA4320279.
Genomic context (GRCh38, chr7:82,953,371, plus strand): 5'-TCACTAAATTTAAGGTCATACTTGAAGTTAAAGATAGGCCTGTTGGTTTGGGGTGTATAT[C>G]TGTTGGTTTTTGTGTAGTTGTTGGAAGCTGAGGAATCACTGGTTTGGGGGCGATTGGAGG-3'
Protein context (NP_149015.2, residues 2518-2538): QLPTTTQKPT[Asp2528His]IHPKPTGLSL